The following is an entry in ClinVar:

NM_006206.6(PDGFRA):c.2742G>C (p.Arg914=)

Gene: PDGFRA (platelet derived growth factor receptor alpha; plus strand). Cytogenetic location: 4q12.
Variant type: single nucleotide variant.
Coding change: c.2742G>C on transcript NM_006206.6 (MANE Select); coding-DNA position 2742, G replaced by C.
Protein change: p.Arg914=; no amino-acid change (arginine 914 retained).
Molecular consequence: synonymous variant.
Genome position (GRCh38, 1-based): chr4:54,288,866, G>C. VCF-style: chr4-54288866-G-C. GRCh37 (hg19) VCF-style: chr4-55155033-G-C.
Other names: c.2742G>C (NM_006206.5); c.2817G>C, p.Arg939= (NM_001347828.2); c.2742G>C, p.Arg914= (NM_001347829.2); c.2781G>C, p.Arg927= (NM_001347830.2).
Identifiers: ClinVar variation 240334 (VCV000240334.46), dbSNP rs56384252, ClinGen allele CA2922928.

ClinVar aggregate classification (germline): Conflicting classifications of pathogenicity. Review status: criteria provided, conflicting classifications (1 of 4 stars). 7 submissions from 6 submitters: Uncertain significance (2); Benign (1); Likely benign (3). 1 of the submissions does not count toward it. Last evaluated 2026-06-17.

Conditions:
PDGFRA-related disorder. Also called: PDGFRA-related condition.
Polyps, multiple and recurrent inflammatory fibroid, gastrointestinal. Identifiers: MedGen C5193005, MONDO:0008285, OMIM 175510.
Hereditary cancer-predisposing syndrome. Also called: Tumor predisposition; Hereditary Cancer Syndrome; Neoplastic Syndromes, Hereditary; Hereditary neoplastic syndrome. Identifiers: Orphanet 140162, MedGen C0027672, MeSH D009386, MONDO:0015356.
Gastrointestinal stromal tumor. Also called: Gastrointestinal stromal tumor, somatic; Gastrointestinal stroma tumor. Identifiers: Orphanet 44890, MedGen C0238198, MeSH D046152, MONDO:0011719, OMIM 606764, HP:0100723.
Idiopathic hypereosinophilic syndrome (HES). Identifiers: Orphanet 3260, MedGen C0206141, MONDO:0011895, OMIM 607685. Disease mechanism: gain of function.

Allele frequency attached by ClinVar (database versions not stated): ExAC 0.00004; TOPMed 0.00004; gnomAD 0.00005 and 0.00006; gnomAD exomes 0.00006.
gnomAD v4.1: 85 of 1,612,980 alleles (0.0053%); highest among the groups gnomAD compares: Non-Finnish European, 0.0069%; no homozygotes.

Submissions (7):

Myriad Genetics, Inc.
Classification: Benign for Polyps, multiple and recurrent inflammatory fibroid, gastrointestinal. Last evaluated: 2026-06-17. Review status: criteria provided, single submitter. Criteria: Myriad Autosomal Dominant, Autosomal Recessive and X-Linked Classification Criteria (2023). Collection method: clinical testing. Allele origin: unknown.
Comment: This variant is considered benign. This variant is a silent/synonymous amino acid change and it is not expected to impact splicing.

Labcorp Genetics (formerly Invitae), Labcorp
Classification: Likely benign for Gastrointestinal stromal tumor. Last evaluated: 2026-01-25. Review status: criteria provided, single submitter. Criteria: Invitae Variant Classification Sherloc (09022015). Collection method: clinical testing. Allele origin: germline.

CeGaT Center for Human Genetics Tuebingen
Classification: Likely benign. Last evaluated: 2024-05-01. Review status: criteria provided, single submitter. Criteria: CeGaT Center For Human Genetics Tuebingen Variant Classification Criteria Version 2. Collection method: clinical testing. Allele origin: germline. Affected: yes. Observed: 2 variant alleles.
Comment: PDGFRA: BP4, BP7

Ambry Genetics
Classification: Likely benign for Hereditary cancer-predisposing syndrome. Last evaluated: 2018-11-30. Review status: criteria provided, single submitter. Criteria: Ambry Variant Classification Scheme 2023. Collection method: clinical testing. Allele origin: germline.

Illumina Laboratory Services, Illumina
Classification: Uncertain significance for Gastrointestinal stromal tumor. Last evaluated: 2018-01-12. Review status: criteria provided, single submitter. Criteria: ICSL Variant Classification Criteria 13 December 2019. Collection method: clinical testing. Allele origin: germline.

Illumina Laboratory Services, Illumina
Classification: Uncertain significance for Idiopathic hypereosinophilic syndrome. Last evaluated: 2018-01-12. Review status: criteria provided, single submitter. Criteria: ICSL Variant Classification Criteria 13 December 2019. Collection method: clinical testing. Allele origin: germline.

PreventionGenetics, part of Exact Sciences
Classification: Likely benign for PDGFRA-related condition. Last evaluated: 2023-06-26. Review status: no assertion criteria provided. Collection method: clinical testing. Allele origin: germline. Not counted in ClinVar's aggregate classification.
Comment: This variant is classified as likely benign based on ACMG/AMP sequence variant interpretation guidelines (Richards et al. 2015 PMID: 25741868, with internal and published modifications).